The following is an entry in ClinVar:

NM_173598.6(KSR2):c.2683A>G (p.Ser895Gly)

Gene: KSR2 (kinase suppressor of ras 2; minus strand). Cytogenetic location: 12q24.22.
Variant type: single nucleotide variant.
Coding change: c.2683A>G on transcript NM_173598.6 (MANE Select); coding-DNA position 2683, A replaced by G.
Protein change: p.Ser895Gly; replaces serine 895 with glycine.
Molecular consequence: missense variant.
Genome position (GRCh38, 1-based): chr12:117,471,220, T>C on the plus strand (A>G on the coding strand, the complement: KSR2 is on the minus strand). VCF-style: chr12-117471220-T-C. GRCh37 (hg19) VCF-style: chr12-117909025-T-C.
Other names: c.2596A>G (NM_173598.4); short protein forms S895G.
Identifiers: ClinVar variation 3672885 (VCV003672885.3).

ClinVar aggregate classification (germline): Uncertain significance. Review status: criteria provided, multiple submitters, no conflicts (2 of 4 stars). 2 submissions from 2 submitters: Uncertain significance (2). Last evaluated 2025-02-25.

Conditions:
KSR2-related disorder. Also called: KSR2-related condition.

gnomAD v4.1: 14 of 1,613,876 alleles (0.00087%); highest among the groups gnomAD compares: Admixed American, 0.0067%; no homozygotes.

Submissions (2):

PreventionGenetics, part of Exact Sciences
Classification: Uncertain significance for KSR2-related condition. Last evaluated: 2025-02-25. Review status: criteria provided, single submitter. Criteria: ACMG Guidelines, 2015. Collection method: clinical testing. Allele origin: germline.
Comment: The KSR2 c.2596A>G variant is predicted to result in the amino acid substitution p.Ser866Gly. To our knowledge, this variant has not been reported in the literature. This variant is reported in 0.0087% of alleles in individuals of Latino descent in gnomAD. At this time, the clinical significance of this variant is uncertain due to the absence of conclusive functional and genetic evidence.

Labcorp Genetics (formerly Invitae), Labcorp
Classification: Uncertain significance. Last evaluated: 2024-05-29. Review status: criteria provided, single submitter. Criteria: Invitae Variant Classification Sherloc (09022015). Collection method: clinical testing. Allele origin: germline.
Comment: This sequence change replaces serine, which is neutral and polar, with glycine, which is neutral and non-polar, at codon 866 of the KSR2 protein (p.Ser866Gly). This variant is present in population databases (rs377684067, gnomAD 0.009%). This variant has not been reported in the literature in individuals affected with KSR2-related conditions. An algorithm developed to predict the effect of missense changes on protein structure and function (PolyPhen-2) suggests that this variant is likely to be tolerated. In summary, the available evidence is currently insufficient to determine the role of this variant in disease. Therefore, it has been classified as a Variant of Uncertain Significance.